The following is an entry in ClinVar:

ClinVar aggregate classification (germline): Likely benign (0 of 4 stars; one submission).

Conditions:
BRWD1-related disorder. Also called: BRWD1-related condition.

gnomAD v4.1: 42 of 1,614,102 alleles (0.0026%); highest among the groups gnomAD compares: Admixed American, 0.0083%; no homozygotes.

Submission:

PreventionGenetics, part of Exact Sciences
Classification: Likely benign for BRWD1-related condition. Last evaluated: 2019-06-27. Review status: no assertion criteria provided. Collection method: clinical testing. Allele origin: germline.
Comment: This variant is classified as likely benign based on ACMG/AMP sequence variant interpretation guidelines (Richards et al. 2015 PMID: 25741868, with internal and published modifications).

NM_033656.4(BRWD1):c.5023T>C (p.Leu1675=)

Gene: BRWD1 (bromodomain and WD repeat domain containing 1; minus strand). Cytogenetic location: 21q22.2.
Variant type: single nucleotide variant.
Coding change: c.5023T>C on transcript NM_033656.4 (MANE Select); coding-DNA position 5023, T replaced by C.
Protein change: p.Leu1675=; no amino-acid change (leucine 1675 retained).
Molecular consequence: synonymous variant.
Genome position (GRCh38, 1-based): chr21:39,199,393, A>G on the plus strand (T>C on the coding strand, the complement: BRWD1 is on the minus strand). VCF-style: chr21-39199393-A-G. GRCh37 (hg19) VCF-style: chr21-40571319-A-G.
Other names: c.5023T>C, p.Leu1675= (NM_018963.5).
Identifiers: ClinVar variation 3042917 (VCV003042917.2), dbSNP rs752746571, ClinGen allele CA10026561.